The following is an entry in ClinVar:

ClinVar aggregate classification (germline): Benign. Review status: criteria provided, multiple submitters, no conflicts (2 of 4 stars). 2 submissions from 2 submitters: Benign (2). Last evaluated 2016-03-29.

Allele frequency attached by ClinVar (database versions not stated): gnomAD 0.90499; ExAC 0.91334; TOPMed 0.92770; ESP Exome Variant Server 0.92811; 1000 Genomes Project 30x 0.96065; 1000 Genomes Project 0.96306.
gnomAD v4.1: 1,449,069 of 1,611,744 alleles (90%); highest among the groups gnomAD compares: East Asian, 100%; 652,724 homozygotes.

Submissions (2):

Laboratory for Molecular Medicine, Mass General Brigham Personalized Medicine
Classification: Benign. Last evaluated: 2016-03-29. Review status: criteria provided, single submitter. Criteria: LMM Criteria. Collection method: clinical testing. Allele origin: germline.
Comment: Variant identified in a genome or exome case(s) and assessed due to predicted null impact of the variant or pathogenic assertions in the literature or databases. Disclaimer: This variant has not undergone full assessment. The following are preliminary notes: Frequency

Breakthrough Genomics
Classification: Benign. Review status: criteria provided, single submitter. Criteria: ACMG Guidelines, 2015. Collection method: not provided. Allele origin: germline. Inheritance: Autosomal recessive inheritance. Affected: yes.

NM_001372106.1(DNAH10):c.842-16A>G

Gene: DNAH10 (dynein axonemal heavy chain 10; plus strand). Cytogenetic location: 12q24.31.
Variant type: single nucleotide variant.
Coding change: c.842-16A>G on transcript NM_001372106.1 (MANE Select); 16 bases into the intron before coding-DNA position 842, A replaced by G.
Molecular consequence: intron variant.
Genome position (GRCh38, 1-based): chr12:123,783,091, A>G. VCF-style: chr12-123783091-A-G. GRCh37 (hg19) VCF-style: chr12-124267638-A-G.
Other names: c.659-16A>G (NM_207437.3).
Identifiers: ClinVar variation 402612 (VCV000402612.5), dbSNP rs11057354, ClinGen allele CA6862573.